The following is an entry in ClinVar:

ClinVar aggregate classification (germline): Likely benign. Review status: criteria provided, single submitter (1 of 4 stars). 2 submissions from 2 submitters: Likely benign (1). 1 of the submissions does not count toward it. Last evaluated 2024-05-16.

Conditions:
Peroxisome biogenesis disorder. Identifiers: Orphanet 79189, MedGen C1832200, MONDO:0019234. Disease mechanism: loss of function.
PEX16-related disorder. Also called: PEX16-related condition.

gnomAD v4.1: 3 of 1,613,948 alleles (0.00019%); highest among the groups gnomAD compares: Admixed American, 0.005%; no homozygotes.

Submissions (2):

Labcorp Genetics (formerly Invitae), Labcorp
Classification: Likely benign for Peroxisome biogenesis disorder. Last evaluated: 2024-05-16. Review status: criteria provided, single submitter. Criteria: Invitae Variant Classification Sherloc (09022015). Collection method: clinical testing. Allele origin: germline.

PreventionGenetics, part of Exact Sciences
Classification: Likely benign for PEX16-related condition. Last evaluated: 2021-08-16. Review status: no assertion criteria provided. Collection method: clinical testing. Allele origin: germline. Not counted in ClinVar's aggregate classification.
Comment: This variant is classified as likely benign based on ACMG/AMP sequence variant interpretation guidelines (Richards et al. 2015 PMID: 25741868, with internal and published modifications).

NM_004813.4(PEX16):c.303C>A (p.Ala101=)

Gene: PEX16 (peroxisomal biogenesis factor 16; minus strand). Cytogenetic location: 11p11.2.
Variant type: single nucleotide variant.
Coding change: c.303C>A on transcript NM_004813.4 (MANE Select); coding-DNA position 303, C replaced by A.
Protein change: p.Ala101=; no amino-acid change (alanine 101 retained).
Molecular consequence: synonymous variant.
Genome position (GRCh38, 1-based): chr11:45,915,759, G>T on the plus strand (C>A on the coding strand, the complement: PEX16 is on the minus strand). VCF-style: chr11-45915759-G-T. GRCh37 (hg19) VCF-style: chr11-45937310-G-T.
Other names: c.303C>A, p.Ala101= (NM_057174.3); c.303C>A (NM_004813.2).
Identifiers: ClinVar variation 1656572 (VCV001656572.10), dbSNP rs80275010, ClinGen allele CA5960024.